The following is an entry in ClinVar:

ClinVar aggregate classification (germline): Uncertain significance (1 of 4 stars; one submission).

Submission:

Dasa
Classification: Uncertain significance. Last evaluated: 2025-11-13. Review status: criteria provided, single submitter. Criteria: DASA Assertion Criteria. Collection method: clinical testing. Allele origin: germline.
Comment: NM_014159.7(SETD2):c.5243T>G (p.Leu1748Trp) is a missense variant that results in the substitution of leucine with tryptophan. This variant is absent from population databases. The currently available literature and clinical evidence are not sufficient to establish a definitive association between this variant and the reported condition. Therefore, this variant is classified as a variant of uncertain significance.

NM_014159.7(SETD2):c.5243T>G (p.Leu1748Trp)

Gene: SETD2 (SET domain containing 2, histone lysine methyltransferase; minus strand). Cytogenetic location: 3p21.31.
Variant type: single nucleotide variant.
Coding change: c.5243T>G on transcript NM_014159.7 (MANE Select); coding-DNA position 5243, T replaced by G.
Protein change: p.Leu1748Trp; replaces leucine 1748 with tryptophan.
Molecular consequence: missense variant. On other transcripts: non-coding transcript variant (1).
Genome position (GRCh38, 1-based): chr3:47,088,147, A>C on the plus strand (T>G on the coding strand, the complement: SETD2 is on the minus strand). VCF-style: chr3-47088147-A-C. GRCh37 (hg19) VCF-style: chr3-47129637-A-C.
Other names: c.5111T>G, p.Leu1704Trp (NM_001349370.3); short protein forms L1704W, L1748W.
Identifiers: ClinVar variation 4885401 (VCV004885401.2).